The following is an entry in ClinVar:

NM_003482.4(KMT2D):c.12850C>G (p.Gln4284Glu)

Gene: KMT2D (lysine methyltransferase 2D; minus strand). Cytogenetic location: 12q13.12.
Variant type: single nucleotide variant.
Coding change: c.12850C>G on transcript NM_003482.4 (MANE Select); coding-DNA position 12850, C replaced by G.
Protein change: p.Gln4284Glu; replaces glutamine 4284 with glutamic acid.
Molecular consequence: missense variant.
Genome position (GRCh38, 1-based): chr12:49,031,855, G>C on the plus strand (C>G on the coding strand, the complement: KMT2D is on the minus strand). VCF-style: chr12-49031855-G-C. GRCh37 (hg19) VCF-style: chr12-49425638-G-C.
Other names: short protein forms Q4284E.
Identifiers: ClinVar variation 1941364 (VCV001941364.5), dbSNP rs2120425805, ClinGen allele CA384708932.
Genomic context (GRCh38, chr12:49,031,855, plus strand): 5'-GGCCAAGGACTGGTCCTGTAGATAAGGCTCCTGGTGGGGCAGGGAGCCGGGGTGGGCCCT[G>C]AGGTCGAGGCCCTGCCCCTAGCTCCTGGAGGGGGCCTGTCTGTGGTCCAGGGAAGCCCCC-3'
Protein context (NP_003473.3, residues 4274-4294): LQELGAGPRP[Gln4284Glu]GPPRLPAPPG

ClinVar aggregate classification (germline): Uncertain significance (1 of 4 stars; one submission).

Conditions:
Kabuki syndrome. Also called: Kabuki make-up syndrome; NIIKAWA-KUROKI SYNDROME. Identifiers: Orphanet 2322, MedGen C0796004, MONDO:0016512.

Allele frequency attached by ClinVar (database versions not stated): gnomAD exomes below 0.00001.
gnomAD v4.1: 3 of 1,544,852 alleles (0.00019%); highest among the groups gnomAD compares: Non-Finnish European, 0.00026%; no homozygotes.

Submission:

Labcorp Genetics (formerly Invitae), Labcorp
Classification: Uncertain significance for Kabuki syndrome. Last evaluated: 2022-08-19. Review status: criteria provided, single submitter. Criteria: Invitae Variant Classification Sherloc (09022015). Collection method: clinical testing. Allele origin: germline.
Comment: This sequence change replaces glutamine, which is neutral and polar, with glutamic acid, which is acidic and polar, at codon 4284 of the KMT2D protein (p.Gln4284Glu). In summary, the available evidence is currently insufficient to determine the role of this variant in disease. Therefore, it has been classified as a Variant of Uncertain Significance. Advanced modeling of protein sequence and biophysical properties (such as structural, functional, and spatial information, amino acid conservation, physicochemical variation, residue mobility, and thermodynamic stability) performed at Invitae indicates that this missense variant is not expected to disrupt KMT2D protein function. This variant has not been reported in the literature in individuals affected with KMT2D-related conditions. This variant is not present in population databases (gnomAD no frequency).